The following is an entry in ClinVar:

ClinVar aggregate classification (germline): Uncertain significance. Review status: criteria provided, multiple submitters, no conflicts (2 of 4 stars). 2 submissions from 2 submitters: Uncertain significance (2). Last evaluated 2024-11-23.

Conditions:
Inborn genetic diseases. Identifiers: MedGen C0950123, MeSH D030342.
Thrombocytopenia 2 (THC2). Also called: ANKRD26-Related Thrombocytopenia. Identifiers: Orphanet 268322, MedGen C1861185, MONDO:0008555, OMIM 188000.

Allele frequency attached by ClinVar (database versions not stated): gnomAD exomes below 0.00001.
gnomAD v4.1: 3 of 1,614,068 alleles (0.00019%); highest among the groups gnomAD compares: South Asian, 0.0022%; no homozygotes.

Submissions (2):

Ambry Genetics
Classification: Uncertain significance for Inborn genetic diseases. Last evaluated: 2024-11-23. Review status: criteria provided, single submitter. Criteria: Ambry Variant Classification Scheme 2023. Collection method: clinical testing. Allele origin: germline.
Comment: The p.T1603S variant (also known as c.4808C>G), located in coding exon 32 of the ANKRD26 gene, results from a C to G substitution at nucleotide position 4808. The threonine at codon 1603 is replaced by serine, an amino acid with similar properties. This amino acid position is conserved. In addition, this alteration is predicted to be tolerated by in silico analysis. Based on the available evidence, the clinical significance of this variant remains unclear.

Illumina Laboratory Services, Illumina
Classification: Uncertain significance for Thrombocytopenia 2. Last evaluated: 2018-01-12. Review status: criteria provided, single submitter. Criteria: ICSL Variant Classification Criteria 13 December 2019. Collection method: clinical testing. Allele origin: germline.

NM_014915.3(ANKRD26):c.4808C>G (p.Thr1603Ser)

Gene: ANKRD26 (ankyrin repeat domain 26; minus strand). Cytogenetic location: 10p12.1.
Variant type: single nucleotide variant.
Coding change: c.4808C>G on transcript NM_014915.3 (MANE Select); coding-DNA position 4808, C replaced by G.
Protein change: p.Thr1603Ser; replaces threonine 1603 with serine.
Molecular consequence: missense variant.
Genome position (GRCh38, 1-based): chr10:27,013,027, G>C on the plus strand (C>G on the coding strand, the complement: ANKRD26 is on the minus strand). VCF-style: chr10-27013027-G-C. GRCh37 (hg19) VCF-style: chr10-27301956-G-C.
Other names: c.4805C>G, p.Thr1602Ser (NM_001256053.2); short protein forms T1603S, T1602S.
Identifiers: ClinVar variation 299727 (VCV000299727.6), dbSNP rs886046944, ClinGen allele CA10628441.